The following is an entry in ClinVar:

ClinVar aggregate classification (germline): Benign/Likely benign. Review status: criteria provided, multiple submitters, no conflicts (2 of 4 stars). 12 submissions from 12 submitters: Benign (5); Likely benign (3). 4 of the submissions do not count toward it. Last evaluated 2026-02-04.

Conditions:
Autosomal recessive polycystic kidney disease (ARPKD). Also called: AR polycystic kidney disease. Identifiers: Orphanet 731, Orphanet 8378, MedGen C0085548, MeSH D017044, MONDO:0009889.
Polycystic kidney disease. Also called: Kidney, Polycystic; Polycystic kidney dysplasia. Identifiers: MedGen C0022680, MeSH D007690, MONDO:0020642, HP:0000113.

Allele frequency attached by ClinVar (database versions not stated): 1000 Genomes Project 0.03115; 1000 Genomes Project 30x 0.03248; gnomAD exomes 0.03281 and 0.03970; ExAC 0.03354; gnomAD 0.03636 and 0.03744; TOPMed 0.03722; ESP Exome Variant Server 0.04252.
gnomAD v4.1: 63,012 of 1,604,934 alleles (3.9%); highest among the groups gnomAD compares: Non-Finnish European, 4.4%; 1,405 homozygotes.

Submissions (12):

Labcorp Genetics (formerly Invitae), Labcorp
Classification: Benign for Autosomal recessive polycystic kidney disease. Last evaluated: 2026-02-04. Review status: criteria provided, single submitter. Criteria: Invitae Variant Classification Sherloc (09022015). Collection method: clinical testing. Allele origin: germline.

Blueprint Genetics
Classification: Likely benign. Last evaluated: 2024-11-26. Review status: criteria provided, single submitter. Criteria: ACMG Guidelines, 2015. Collection method: clinical testing. Allele origin: germline.

GeneDx
Classification: Likely benign. Last evaluated: 2020-09-16. Review status: criteria provided, single submitter. Criteria: GeneDx Variant Classification Process June 2021. Collection method: clinical testing. Allele origin: germline. Affected: yes.

Mayo Clinic Laboratories, Mayo Clinic
Classification: Benign. Last evaluated: 2018-08-29. Review status: criteria provided, single submitter. Criteria: ACMG Guidelines, 2015. Collection method: clinical testing. Allele origin: germline. Observed: 40 variant alleles.

Illumina Laboratory Services, Illumina
Classification: Benign for Polycystic kidney disease 4. Last evaluated: 2018-01-12. Review status: criteria provided, single submitter. Criteria: ICSL Variant Classification Criteria 13 December 2019. Collection method: clinical testing. Allele origin: germline.
Comment: This variant was observed in the ICSL laboratory as part of a predisposition screen in an ostensibly healthy population. It had not been previously curated by ICSL or reported in the Human Gene Mutation Database (HGMD: prior to June 1st, 2018), and was therefore a candidate for classification through an automated scoring system. Utilizing variant allele frequency, disease prevalence and penetrance estimates, and inheritance mode, an automated score was calculated to assess if this variant is too frequent to cause the disease. Based on the score and internal cut-off values, a variant classified as benign is not then subjected to further curation. The score for this variant resulted in a classification of benign for this disease.

Genome Diagnostics Laboratory, University Medical Center Utrecht
Classification: Benign for Polycystic kidney disease 4. Last evaluated: 2014-10-10. Review status: criteria provided, single submitter. Criteria: ACGS Guidelines, 2013. Collection method: clinical testing. Allele origin: germline. Affected: yes. Study: VKGL Data-share Consensus.

Breakthrough Genomics
Classification: Likely benign. Review status: criteria provided, single submitter. Criteria: ACMG Guidelines, 2015. Collection method: not provided. Allele origin: germline. Inheritance: Autosomal recessive inheritance. Affected: yes.

PreventionGenetics, part of Exact Sciences
Classification: Benign. Review status: criteria provided, single submitter. Criteria: ACMG Guidelines, 2015. Collection method: clinical testing. Allele origin: germline.

Natera, Inc.
Classification: Benign for Autosomal recessive polycystic kidney disease. Last evaluated: 2017-05-11. Review status: no assertion criteria provided. Collection method: clinical testing. Allele origin: germline. Not counted in ClinVar's aggregate classification.

Department of Pathology and Laboratory Medicine, Sinai Health System
Classification: Benign for Polycystic Kidney disease. Review status: no assertion criteria provided. Collection method: clinical testing. Allele origin: unknown. Affected: yes. Study: The Canadian Open Genetics Repository (COGR). Not counted in ClinVar's aggregate classification.
Comment: The PKHD1 p.Pro3780= variant was identified in dbSNP (ID: rs17667728) as â€šÃ„ÃºWith Benign alleleâ€šÃ„Ã¹, ClinVar (as benign by Prevention Genetics and Invitae), Clinvitae (3x as benign), RWTH AAachen University ARPKD database (as a polymorphism). The variant was not identified in the LOVD 3.0 database. The variant was also identified in control databases in 9157 of 276782 chromosomes at a frequency of 0.033084 in the following populations at a frequency greater than 1%: African in 1053 (29 homozygous) of 24034 chromosomes (freq. 0.044), Other in 222 (1 homozygous) of 6454 chromosomes (freq. 0.034), Latino in 1111 (24 homozygous) of 34410 chromosomes (freq. 0.032), European (Non-Finnish) in 5290 (109 homozygous) of 126334 chromosomes (freq. 0.042), Ashkenazi Jewish in 400 (8 homozygous) of 10134 chromosomes (freq. 0.039), European (Finnish) in 361 (5 homozygous) of 25782 chromosomes (freq. 0.014), and South Asian in 713 (20 homozygous) of 30778 chromosomes (freq. 0.023) as well as at frequencies below 1% in East Asian populations in 7 of 18856 chromosomes (freq. 0.0004) increasing the likelihood this could be a low frequency benign variant (Genome Aggregation Consortium Feb 27, 2017). The variant is widely reported in the literature as a polymorphism, with an allele frequency between 3 and 5% (Bergmann 2004, Bergmann 2005, Furu 2003, Losekoot 2005, Obeidova 2015, Rosetti 2003, Sharp 2005). The p.Pro3780= variant is not expected to have clinical significance because it does not result in a change of amino acid and is not located in a known consensus splice site. In addition, in silico or computational prediction software programs (SpliceSiteFinder, MaxEntScan, NNSPLICE, GeneSplicer, HumanSpliceFinder) do not predict a difference in splicing. In summary, based on the above information this variant meets our laboratory criteria to be classified as benign.

Diagnostic Laboratory, Department of Genetics, University Medical Center Groningen
Classification: Benign for Polycystic kidney disease 4. Review status: no assertion criteria provided. Collection method: clinical testing. Allele origin: germline. Affected: yes. Study: VKGL Data-share Consensus. Not counted in ClinVar's aggregate classification.

Laboratory of Diagnostic Genome Analysis, Leiden University Medical Center (LUMC)
Classification: Benign. Review status: no assertion criteria provided. Collection method: clinical testing. Allele origin: germline. Affected: yes. Study: VKGL Data-share Consensus. Not counted in ClinVar's aggregate classification.

NM_138694.4(PKHD1):c.11340T>C (p.Pro3780=)

Gene: PKHD1 (PKHD1 ciliary IPT domain containing fibrocystin/polyductin; minus strand). Cytogenetic location: 6p12.3.
Variant type: single nucleotide variant.
Coding change: c.11340T>C on transcript NM_138694.4 (MANE Select); coding-DNA position 11340, T replaced by C.
Protein change: p.Pro3780=; no amino-acid change (proline 3780 retained).
Molecular consequence: synonymous variant.
Genome position (GRCh38, 1-based): chr6:51,648,089, A>G on the plus strand (T>C on the coding strand, the complement: PKHD1 is on the minus strand). VCF-style: chr6-51648089-A-G. GRCh37 (hg19) VCF-style: chr6-51512887-A-G.
Other names: p.Pro3780=.
Identifiers: ClinVar variation 262384 (VCV000262384.30), dbSNP rs17667728, ClinGen allele CA3850887.